The following is an entry in ClinVar:

NM_153610.5(CMYA5):c.7695C>T (p.Ala2565=)

Gene: CMYA5 (cardiomyopathy associated 5; plus strand). Cytogenetic location: 5q14.1.
Variant type: single nucleotide variant.
Coding change: c.7695C>T on transcript NM_153610.5 (MANE Select); coding-DNA position 7695, C replaced by T.
Protein change: p.Ala2565=; no amino-acid change (alanine 2565 retained).
Molecular consequence: synonymous variant.
Genome position (GRCh38, 1-based): chr5:79,736,460, C>T. VCF-style: chr5-79736460-C-T. GRCh37 (hg19) VCF-style: chr5-79032283-C-T.
Identifiers: ClinVar variation 2655562 (VCV002655562.24), dbSNP rs141532983, ClinGen allele CA3322496.
Genomic context (GRCh38, chr5:79,736,460, plus strand): 5'-ATATGTGCTTTCAGAAGGAAAGAAGCAGCAGGAACATCAGCCTTATTCTGTGAATGTAGC[C>T]GAGTCTATGAGTAGAGAATCAGATATCTCTTTAGGTCATTCTTTGGGTGAAACTCAATCA-3'
Protein context (NP_705838.3, residues 2555-2575): QEHQPYSVNV[Ala2565=]ESMSRESDIS

ClinVar aggregate classification (germline): Likely benign (1 of 4 stars; one submission).

Allele frequency attached by ClinVar (database versions not stated): 1000 Genomes Project 30x 0.00125; TOPMed 0.00262; ESP Exome Variant Server 0.00392; gnomAD exomes 0.00457; gnomAD 0.00485; ExAC 0.00533.
gnomAD v4.1: 7,390 of 1,609,604 alleles (0.46%); highest among the groups gnomAD compares: Non-Finnish European, 0.44%; 51 homozygotes.

Submission:

CeGaT Center for Human Genetics Tuebingen
Classification: Likely benign. Last evaluated: 2023-03-01. Review status: criteria provided, single submitter. Criteria: CeGaT Center For Human Genetics Tuebingen Variant Classification Criteria Version 2. Collection method: clinical testing. Allele origin: germline. Affected: yes. Observed: 1 variant allele.
Comment: CMYA5: BP4, BP7